The following is an entry in ClinVar:

NM_053025.4(MYLK):c.1802A>G (p.His601Arg)

Gene: MYLK (myosin light chain kinase; minus strand). Cytogenetic location: 3q21.1.
Variant type: single nucleotide variant.
Coding change: c.1802A>G on transcript NM_053025.4 (MANE Select); coding-DNA position 1802, A replaced by G.
Protein change: p.His601Arg; replaces histidine 601 with arginine.
Molecular consequence: missense variant.
Genome position (GRCh38, 1-based): chr3:123,722,130, T>C on the plus strand (A>G on the coding strand, the complement: MYLK is on the minus strand). VCF-style: chr3-123722130-T-C. GRCh37 (hg19) VCF-style: chr3-123440977-T-C.
Other names: c.1274A>G, p.His425Arg (NM_001321309.2); c.1595A>G, p.His532Arg (NM_053026.4, NM_053028.4); c.1802A>G, p.His601Arg (NM_053027.4); short protein forms H601R, H425R, H532R.
Identifiers: ClinVar variation 862687 (VCV000862687.10), dbSNP rs45477891, ClinGen allele CA82934306.

ClinVar aggregate classification (germline): Uncertain significance. Review status: criteria provided, multiple submitters, no conflicts (2 of 4 stars). 2 submissions from 2 submitters: Uncertain significance (2). Last evaluated 2025-08-29.

Conditions:
Aortic aneurysm, familial thoracic 7 (AAT7). Also called: AORTIC DISSECTION, FAMILIAL, WITH OR WITHOUT AORTIC ANEURYSM. Identifiers: MedGen C3151077, MONDO:0013418, OMIM 613780.
MYLK-related disorder. Also called: MYLK-related condition.

gnomAD v4.1: 15 of 1,565,272 alleles (0.00096%); highest among the groups gnomAD compares: Middle Eastern, 0.033%; no homozygotes.

Submissions (2):

Labcorp Genetics (formerly Invitae), Labcorp
Classification: Uncertain significance for Aortic aneurysm, familial thoracic 7. Last evaluated: 2025-08-29. Review status: criteria provided, single submitter. Criteria: Invitae Variant Classification Sherloc (09022015). Collection method: clinical testing. Allele origin: germline.
Comment: This sequence change replaces histidine, which is basic and polar, with arginine, which is basic and polar, at codon 601 of the MYLK protein (p.His601Arg). This variant is present in population databases (rs45477891, gnomAD 0.004%). This variant has not been reported in the literature in individuals affected with MYLK-related conditions. ClinVar contains an entry for this variant (Variation ID: 862687). An algorithm developed to predict the effect of missense changes on protein structure and function outputs the following: PolyPhen-2: "Benign". The arginine amino acid residue is found in multiple mammalian species, which suggests that this missense change does not adversely affect protein function. In summary, the available evidence is currently insufficient to determine the role of this variant in disease. Therefore, it has been classified as a Variant of Uncertain Significance.

PreventionGenetics, part of Exact Sciences
Classification: Uncertain significance for MYLK-related condition. Last evaluated: 2024-10-29. Review status: criteria provided, single submitter. Criteria: ACMG Guidelines, 2015. Collection method: clinical testing. Allele origin: germline.
Comment: The MYLK c.1802A>G variant is predicted to result in the amino acid substitution p.His601Arg. To our knowledge, this variant has not been reported in the literature. This variant is reported in 0.0023% of alleles in individuals of European (Non-Finnish) descent in gnomAD. At this time, the clinical significance of this variant is uncertain due to the absence of conclusive functional and genetic evidence.